The following is an entry in ClinVar:

ClinVar aggregate classification (germline): Conflicting classifications of pathogenicity. Review status: criteria provided, conflicting classifications (1 of 4 stars). 7 submissions from 7 submitters: Uncertain significance (5); Likely benign (1). 1 of the submissions does not count toward it. Last evaluated 2025-12-15.

Conditions:
Hereditary cancer-predisposing syndrome. Also called: Hereditary neoplastic syndrome; Hereditary Cancer Syndrome; Neoplastic Syndromes, Hereditary; Tumor predisposition. Identifiers: Orphanet 140162, MedGen C0027672, MeSH D009386, MONDO:0015356.
Hereditary breast ovarian cancer syndrome. Also called: BRCA1- and BRCA2-Associated Hereditary Breast and Ovarian Cancer; Hereditary breast and ovarian cancer syndrome; Hereditary breast and ovarian cancer; Hereditary breast and ovarian cancer syndrome (HBOC); Breast and ovarian cancer; Hereditary breast and/or ovarian cancer syndrome. Identifiers: Orphanet 145, MedGen C0677776, MeSH D061325, MONDO:0003582. Disease mechanism: loss of function.
Malignant tumor of breast. Also called: Malignant breast neoplasm; Cancer breast. Identifiers: MedGen C0006142, MONDO:0007254. Disease mechanism: loss of function.

gnomAD v4.1: 1 of 1,594,932 alleles (0.000063%); highest among the groups gnomAD compares: Non-Finnish European, 0.000085%; no homozygotes.

Submissions (7):

Women's Health and Genetics/Laboratory Corporation of America, LabCorp
Classification: Uncertain significance. Last evaluated: 2025-12-15. Review status: criteria provided, single submitter. Criteria: LabCorp Variant Classification Summary - May 2015. Collection method: clinical testing. Allele origin: germline.
Comment: Variant summary: BRCA2 c.898G>A (p.Val300Ile) results in a conservative amino acid change in the encoded protein sequence. Algorithms developed to predict the effect of missense changes on protein structure and function all suggest that this variant is likely to be tolerated. The variant was absent in 239980 control chromosomes. The available data on variant occurrences in the general population are insufficient to allow any conclusion about variant significance. c.898G>A has been observed in at least 1 individual(s) undergoing genetic testing for Lynch syndrome (example, Yurgelun_2015). These report(s) do not provide unequivocal conclusions about association of the variant with Hereditary Breast And Ovarian Cancer Syndrome. To our knowledge, no experimental evidence demonstrating an impact on protein function has been reported. The following publication has been ascertained in the context of this evaluation (PMID: 25980754). ClinVar contains an entry for this variant (Variation ID: 236925). Based on the evidence outlined above, the variant was classified as uncertain significance.

Ambry Genetics
Classification: Uncertain significance for Hereditary cancer-predisposing syndrome. Last evaluated: 2025-07-28. Review status: criteria provided, single submitter. Criteria: Ambry Variant Classification Scheme 2023. Collection method: clinical testing. Allele origin: germline.
Comment: The p.V300I variant (also known as c.898G>A), located in coding exon 9 of the BRCA2 gene, results from a G to A substitution at nucleotide position 898. The valine at codon 300 is replaced by isoleucine, an amino acid with highly similar properties. This variant was not reported in population based cohorts in the following databases: Database of Single Nucleotide Polymorphisms (dbSNP), NHLBI Exome Sequencing Project (ESP), and 1000 Genomes Project. In the ESP, this variant was not observed in 6495 samples (12990 alleles) with coverage at this position. To date, this alteration has been detected with an allele frequency of approximately 0.0004% (greater than 225000 alleles tested) in our clinical cohort. This amino acid position is not well conserved in available vertebrate species. In addition, this alteration is predicted to be tolerated by in silico analysis. Since supporting evidence is limited at this time, the clinical significance of this alteration remains unclear.

Labcorp Genetics (formerly Invitae), Labcorp
Classification: Uncertain significance for Hereditary breast ovarian cancer syndrome. Last evaluated: 2024-07-17. Review status: criteria provided, single submitter. Criteria: Invitae Variant Classification Sherloc (09022015). Collection method: clinical testing. Allele origin: germline.
Comment: This sequence change replaces valine, which is neutral and non-polar, with isoleucine, which is neutral and non-polar, at codon 300 of the BRCA2 protein (p.Val300Ile). This variant is not present in population databases (gnomAD no frequency). This missense change has been observed in individual(s) with clinical features of Lynch syndrome (PMID: 25980754). ClinVar contains an entry for this variant (Variation ID: 236925). Advanced modeling of protein sequence and biophysical properties (such as structural, functional, and spatial information, amino acid conservation, physicochemical variation, residue mobility, and thermodynamic stability) performed at Invitae indicates that this missense variant is not expected to disrupt BRCA2 protein function with a negative predictive value of 95%. In summary, the available evidence is currently insufficient to determine the role of this variant in disease. Therefore, it has been classified as a Variant of Uncertain Significance.

University of Washington Department of Laboratory Medicine, University of Washington
Classification: Likely benign for Hereditary cancer-predisposing syndrome. Last evaluated: 2023-03-23. Review status: criteria provided, single submitter. Criteria: Dines et al. (Genet Med. 2020). Collection method: curation. Allele origin: germline.
Comment: Missense variant in a coldspot region where missense variants are very unlikely to be pathogenic (PMID:31911673).

BRCA2 exon 10 coldspot. Reclassification based on statistical prior probability.

GeneDx
Classification: Uncertain significance. Last evaluated: 2022-12-29. Review status: criteria provided, single submitter. Criteria: GeneDx Variant Classification Process June 2021. Collection method: clinical testing. Allele origin: germline. Affected: yes.
Comment: Not observed at significant frequency in large population cohorts (gnomAD); Identified in individuals with Lynch-associated cancer and/or polyps (Yurgelun et al., 2015); In silico analysis supports that this missense variant does not alter protein structure/function; Also known as 1126G>A; This variant is associated with the following publications: (PMID: 32377563, 31853058, 29884841, 32850417, 31911673, 25980754)

Color Diagnostics, LLC DBA Color Health
Classification: Uncertain significance for Hereditary cancer-predisposing syndrome. Last evaluated: 2021-06-29. Review status: criteria provided, single submitter. Criteria: ACMG Guidelines, 2015. Collection method: clinical testing. Allele origin: germline.
Comment: This missense variant replaces valine with isoleucine at codon 300 of the BRCA2 protein. Computational prediction suggests that this variant may not impact protein structure and function (internally defined REVEL score threshold <= 0.5, PMID: 27666373). To our knowledge, functional studies have not been reported for this variant. This variant has been reported in an individual suspected of having Lynch Syndrome in the literature. (PMID: 25980754) This variant has not been identified in the general population by the Genome Aggregation Database (gnomAD). The available evidence is insufficient to determine the role of this variant in disease conclusively. Therefore, this variant is classified as a Variant of Uncertain Significance.

Department of Pathology and Laboratory Medicine, Sinai Health System
Classification: Likely benign for Malignant tumor of breast. Review status: no assertion criteria provided. Collection method: clinical testing. Allele origin: unknown. Affected: yes. Observed: 1 variant allele. Study: The Canadian Open Genetics Repository (COGR). Not counted in ClinVar's aggregate classification.
Comment: The p.Val300Ile variant was not identified in the literature nor was it identified in the dbSNP, NHLBI Exome Sequencing Project (Exome Variant Server), HGMD, LOVD, COSMIC, UMD, ClinVar, or BIC databases. The p.Val300 residue is not conserved in mammals and the variant amino acid Isoleucine (Ile) is present in the opossum and chicken, increasing the likelihood that this variant does not have clinical significance. Computational analyses (PolyPhen-2, SIFT, AlignGVGD, BLOSUM, MutationTaster) do not suggest a high likelihood of impact to the protein. In summary, based on the above information, the clinical significance of this variant cannot be determined with certainty at this time although we would lean towards a more benign role for this variant. This variant is classified as predicted benign.

Literature cited by the submitters: PubMed 25980754 (cited by Women's Health and Genetics/Laboratory Corporation of America, LabCorp and Labcorp Genetics (formerly Invitae), Labcorp).

NM_000059.4(BRCA2):c.898G>A (p.Val300Ile)

Gene: BRCA2 (BRCA2 DNA repair associated; plus strand). Cytogenetic location: 13q13.1.
Variant type: single nucleotide variant.
Coding change: c.898G>A on transcript NM_000059.4 (MANE Select); coding-DNA position 898, G replaced by A.
Protein change: p.Val300Ile; replaces valine 300 with isoleucine.
Molecular consequence: missense variant.
Genome position (GRCh38, 1-based): chr13:32,332,376, G>A. VCF-style: chr13-32332376-G-A. GRCh37 (hg19) VCF-style: chr13-32906513-G-A.
Other names: short protein forms V300I.
Identifiers: ClinVar variation 236925 (VCV000236925.26), dbSNP rs878853616, ClinGen allele CA10583070.
Genomic context (GRCh38, chr13:32,332,376, plus strand): 5'-AAAGACCACATTGGAAAGTCAATGCCAAATGTCCTAGAAGATGAAGTATATGAAACAGTT[G>A]TAGATACCTCTGAAGAAGATAGTTTTTCATTATGTTTTTCTAAATGTAGAACAAAAAATC-3'
Protein context (NP_000050.3, residues 290-310): VLEDEVYETV[Val300Ile]DTSEEDSFSL